The following is an entry in ClinVar:

ClinVar aggregate classification (germline): Uncertain significance (1 of 4 stars; one submission).

Conditions:
Familial cold autoinflammatory syndrome 3 (FCAS3). Also called: ANTIBODY DEFICIENCY AND IMMUNE DYSREGULATION, PLCG2-ASSOCIATED; FAMILIAL ATYPICAL COLD URTICARIA. Identifiers: Orphanet 300359, MedGen C3280914, MONDO:0013766, OMIM 614468.

Allele frequency attached by ClinVar (database versions not stated): ExAC 0.00001; gnomAD 0.00001; ESP Exome Variant Server 0.00008.

Submission:

Labcorp Genetics (formerly Invitae), Labcorp
Classification: Uncertain significance for Familial cold autoinflammatory syndrome 3. Last evaluated: 2023-01-15. Review status: criteria provided, single submitter. Criteria: Invitae Variant Classification Sherloc (09022015). Collection method: clinical testing. Allele origin: germline.
Comment: This variant is present in population databases (rs368137889, gnomAD 0.0009%). This sequence change replaces valine, which is neutral and non-polar, with leucine, which is neutral and non-polar, at codon 45 of the PLCG2 protein (p.Val45Leu). This variant has not been reported in the literature in individuals affected with PLCG2-related conditions. Algorithms developed to predict the effect of missense changes on protein structure and function (SIFT, PolyPhen-2, Align-GVGD) all suggest that this variant is likely to be tolerated. In summary, the available evidence is currently insufficient to determine the role of this variant in disease. Therefore, it has been classified as a Variant of Uncertain Significance.

NM_002661.5(PLCG2):c.133G>T (p.Val45Leu)

Gene: PLCG2 (phospholipase C gamma 2; plus strand). Cytogenetic location: 16q23.3.
Variant type: single nucleotide variant.
Coding change: c.133G>T on transcript NM_002661.5 (MANE Select); coding-DNA position 133, G replaced by T.
Protein change: p.Val45Leu; replaces valine 45 with leucine.
Molecular consequence: missense variant.
Genome position (GRCh38, 1-based): chr16:81,786,122, G>T. VCF-style: chr16-81786122-G-T. GRCh37 (hg19) VCF-style: chr16-81819727-G-T.
Other names: c.133G>T, p.Val45Leu (NM_001425749.1, NM_001425750.1, NM_001425751.1); short protein forms V45L.
Identifiers: ClinVar variation 2828917 (VCV002828917.3), dbSNP rs368137889, ClinGen allele CA8193038.
Genomic context (GRCh38, chr16:81,786,122, plus strand): 5'-GGGACGGTGATGACTGTGTTCAGCTTCCGCAAGTCCACCCCCGAGCGGAGAACCGTCCAG[G>T]TGATCATGGAGACGCGGCAGGTGGCCTGGAGCAAGACCGCTGACAAGATCGAGGGCTTCT-3'
Protein context (NP_002652.2, residues 35-55): KSTPERRTVQ[Val45Leu]IMETRQVAWS